The following is an entry in ClinVar:

NM_001003800.2(BICD2):c.1592G>T (p.Ser531Ile)

Gene: BICD2 (BICD cargo adaptor 2; minus strand). Cytogenetic location: 9q22.31.
Variant type: single nucleotide variant.
Coding change: c.1592G>T on transcript NM_001003800.2 (MANE Select); coding-DNA position 1592, G replaced by T.
Protein change: p.Ser531Ile; replaces serine 531 with isoleucine.
Molecular consequence: missense variant.
Genome position (GRCh38, 1-based): chr9:92,719,053, C>A on the plus strand (G>T on the coding strand, the complement: BICD2 is on the minus strand). VCF-style: chr9-92719053-C-A. GRCh37 (hg19) VCF-style: chr9-95481335-C-A.
Other names: c.1592G>T, p.Ser531Ile (NM_015250.4); short protein forms S531I.
Identifiers: ClinVar variation 842720 (VCV000842720.10), dbSNP rs1287163670, ClinGen allele CA374036934.

ClinVar aggregate classification (germline): Uncertain significance (1 of 4 stars; one submission).

Conditions:
Autosomal dominant childhood-onset proximal spinal muscular atrophy with contractures (SMALED2A). Also called: Spinal muscular atrophy, lower extremity-predominant, 2A, autosomal dominant; SPINAL MUSCULAR ATROPHY, LOWER EXTREMITY-PREDOMINANT, 2A, CHILDHOOD ONSET, AUTOSOMAL DOMINANT. Identifiers: Orphanet 363447, Orphanet 363454, MedGen C4747715, MONDO:0014121, OMIM 615290.

Allele frequency attached by ClinVar (database versions not stated): gnomAD exomes below 0.00001; TOPMed 0.00002.
gnomAD v4.1: 5 of 1,612,894 alleles (0.00031%); highest among the groups gnomAD compares: Non-Finnish European, 0.00042%; no homozygotes.

Submission:

Labcorp Genetics (formerly Invitae), Labcorp
Classification: Uncertain significance for Autosomal dominant childhood-onset proximal spinal muscular atrophy with contractures. Last evaluated: 2021-05-08. Review status: criteria provided, single submitter. Criteria: Invitae Variant Classification Sherloc (09022015). Collection method: clinical testing. Allele origin: germline.
Comment: Algorithms developed to predict the effect of missense changes on protein structure and function are either unavailable or do not agree on the potential impact of this missense change (SIFT: "Deleterious"; PolyPhen-2: "Probably Damaging"; Align-GVGD: "Class C15"). This sequence change replaces serine with isoleucine at codon 531 of the BICD2 protein (p.Ser531Ile). The serine residue is highly conserved and there is a large physicochemical difference between serine and isoleucine. This variant is not present in population databases (ExAC no frequency). This variant has not been reported in the literature in individuals with BICD2-related conditions. In summary, the available evidence is currently insufficient to determine the role of this variant in disease. Therefore, it has been classified as a Variant of Uncertain Significance.